The following is an entry in ClinVar:

NM_015015.3(KDM4B):c.3280G>A (p.Ala1094Thr)

Gene: KDM4B (lysine demethylase 4B; plus strand). Cytogenetic location: 19p13.3.
Variant type: single nucleotide variant.
Coding change: c.3280G>A on transcript NM_015015.3 (MANE Select); coding-DNA position 3280, G replaced by A.
Protein change: p.Ala1094Thr; replaces alanine 1094 with threonine.
Molecular consequence: missense variant.
Genome position (GRCh38, 1-based): chr19:5,151,500, G>A. VCF-style: chr19-5151500-G-A. GRCh37 (hg19) VCF-style: chr19-5151511-G-A.
Other names: c.3382G>A, p.Ala1128Thr (NM_001411148.1); short protein forms A1094T, A1128T.
Identifiers: ClinVar variation 3360023 (VCV003360023.1).

ClinVar aggregate classification (germline): Uncertain significance (1 of 4 stars; one submission).

Submission:

GeneDx
Classification: Uncertain significance. Last evaluated: 2023-06-20. Review status: criteria provided, single submitter. Criteria: GeneDx Variant Classification Process June 2021. Collection method: clinical testing. Allele origin: germline. Affected: yes.
Comment: Not observed at significant frequency in large population cohorts (gnomAD); In silico analysis supports that this missense variant does not alter protein structure/function; Has not been previously published as pathogenic or benign to our knowledge